The following is an entry in ClinVar:

ClinVar aggregate classification (germline): Uncertain significance (1 of 4 stars; one submission).

Conditions:
RASopathy. Also called: Noonan spectrum disorder; rasopathies. Identifiers: Orphanet 536391, MedGen C5555857, MONDO:0021060.

Submission:

Labcorp Genetics (formerly Invitae), Labcorp
Classification: Uncertain significance for RASopathy. Last evaluated: 2019-08-13. Review status: criteria provided, single submitter. Criteria: Invitae Variant Classification Sherloc (09022015). Collection method: clinical testing. Allele origin: germline.
Comment: This variant is not present in population databases (ExAC no frequency). This variant has not been reported in the literature in individuals with PTPN11-related conditions. Algorithms developed to predict the effect of missense changes on protein structure and function (SIFT, PolyPhen-2, Align-GVGD) all suggest that this variant is likely to be disruptive, but these predictions have not been confirmed by published functional studies and their clinical significance is uncertain. In summary, the available evidence is currently insufficient to determine the role of this variant in disease. Therefore, it has been classified as a Variant of Uncertain Significance. This sequence change replaces glycine with valine at codon 462 of the PTPN11 protein (p.Gly462Val). The glycine residue is highly conserved and there is a moderate physicochemical difference between glycine and valine.

NM_002834.5(PTPN11):c.1385G>T (p.Gly462Val)

Gene: PTPN11 (protein tyrosine phosphatase non-receptor type 11; plus strand). Cytogenetic location: 12q24.13.
Variant type: single nucleotide variant.
Coding change: c.1385G>T on transcript NM_002834.5 (MANE Select); coding-DNA position 1385, G replaced by T.
Protein change: p.Gly462Val; replaces glycine 462 with valine.
Molecular consequence: missense variant.
Genome position (GRCh38, 1-based): chr12:112,488,448, G>T. VCF-style: chr12-112488448-G-T. GRCh37 (hg19) VCF-style: chr12-112926252-G-T.
Other names: c.1397G>T, p.Gly466Val (NM_001330437.2); c.1382G>T, p.Gly461Val (NM_001374625.1); short protein forms G461V, G462V, G466V.
Identifiers: ClinVar variation 934741 (VCV000934741.9), dbSNP rs2038706464, ClinGen allele CA386778121.